The following is an entry in ClinVar:

NM_001184880.2(PCDH19):c.1085C>T (p.Ala362Val)

Gene: PCDH19 (protocadherin 19; minus strand). Cytogenetic location: Xq22.1.
Variant type: single nucleotide variant.
Coding change: c.1085C>T on transcript NM_001184880.2 (MANE Select); coding-DNA position 1085, C replaced by T.
Protein change: p.Ala362Val; replaces alanine 362 with valine.
Molecular consequence: missense variant.
Genome position (GRCh38, 1-based): chrX:100,407,513, G>A on the plus strand (C>T on the coding strand, the complement: PCDH19 is on the minus strand). VCF-style: chrX-100407513-G-A. GRCh37 (hg19) VCF-style: chrX-99662511-G-A.
Other names: c.1085C>T, p.Ala362Val (NM_001105243.2, NM_020766.3); short protein forms A362V.
Identifiers: ClinVar variation 1020954 (VCV001020954.11), dbSNP rs776497186, ClinGen allele CA333826074.

ClinVar aggregate classification (germline): Uncertain significance (1 of 4 stars; one submission).

Conditions:
Developmental and epileptic encephalopathy, 9 (DEE9). Also called: Early infantile epileptic encephalopathy 9; EPILEPSY, FEMALE-RESTRICTED, WITH MENTAL RETARDATION; JUBERG-HELLMAN SYNDROME; PCDH19-Related X-Linked Female-Limited Epilepsy with Mental Retardation. Identifiers: Orphanet 101039, Orphanet 2076, MedGen C1848137, MONDO:0010246, OMIM 300088. Disease mechanism: loss of function.

Submission:

Labcorp Genetics (formerly Invitae), Labcorp
Classification: Uncertain significance for Developmental and epileptic encephalopathy, 9. Last evaluated: 2024-11-09. Review status: criteria provided, single submitter. Criteria: Invitae Variant Classification Sherloc (09022015). Collection method: clinical testing. Allele origin: germline.
Comment: This sequence change replaces alanine, which is neutral and non-polar, with valine, which is neutral and non-polar, at codon 362 of the PCDH19 protein (p.Ala362Val). This variant is not present in population databases (gnomAD no frequency). This variant has not been reported in the literature in individuals affected with PCDH19-related conditions. ClinVar contains an entry for this variant (Variation ID: 1020954). Invitae Evidence Modeling of protein sequence and biophysical properties (such as structural, functional, and spatial information, amino acid conservation, physicochemical variation, residue mobility, and thermodynamic stability) has been performed for this missense variant. However, the output from this modeling did not meet the statistical confidence thresholds required to predict the impact of this variant on PCDH19 protein function. In summary, the available evidence is currently insufficient to determine the role of this variant in disease. Therefore, it has been classified as a Variant of Uncertain Significance.